The following is an entry in ClinVar:

NM_001291746.2(REL):c.920A>G (p.His307Arg)

Gene: REL (REL proto-oncogene, NF-kB subunit; plus strand). Cytogenetic location: 2p16.1.
Variant type: single nucleotide variant.
Coding change: c.920A>G on transcript NM_001291746.2 (MANE Select); coding-DNA position 920, A replaced by G.
Protein change: p.His307Arg; replaces histidine 307 with arginine.
Molecular consequence: missense variant.
Genome position (GRCh38, 1-based): chr2:60,920,107, A>G. VCF-style: chr2-60920107-A-G. GRCh37 (hg19) VCF-style: chr2-61147242-A-G.
Other names: c.920A>G, p.His307Arg (NM_001438025.1, NM_002908.4); short protein forms H307R.
Identifiers: ClinVar variation 4750526 (VCV004750526.1).

ClinVar aggregate classification (germline): Uncertain significance (1 of 4 stars; one submission).

gnomAD v4.1: 94 of 1,604,364 alleles (0.0059%); highest among the groups gnomAD compares: Non-Finnish European, 0.0079%; no homozygotes.

Submission:

Labcorp Genetics (formerly Invitae), Labcorp
Classification: Uncertain significance. Last evaluated: 2025-08-11. Review status: criteria provided, single submitter. Criteria: Invitae Variant Classification Sherloc (09022015). Collection method: clinical testing. Allele origin: germline.
Comment: This sequence change replaces histidine, which is basic and polar, with arginine, which is basic and polar, at codon 307 of the REL protein (p.His307Arg). This variant is present in population databases (rs201469645, gnomAD 0.006%). This missense change has been observed in individual(s) with Hodgkin lymphoma (PMID: 35977101). An algorithm developed to predict the effect of missense changes on protein structure and function (PolyPhen-2) suggests that this variant is likely to be tolerated. In summary, the available evidence is currently insufficient to determine the role of this variant in disease. Therefore, it has been classified as a Variant of Uncertain Significance.

Literature cited by the submitters: PubMed 35977101.